The following is an entry in ClinVar:

ClinVar aggregate classification (germline): Affects (0 of 4 stars; one submission).

Conditions:
Autosomal recessive nonsyndromic hearing loss 4 (DFNB4). Also called: Deafness, autosomal recessive 4; FOXI1-Related Pendred Syndrome; KCNJ10-Related Pendred Syndrome; DEAFNESS, AUTOSOMAL RECESSIVE 4, WITH ENLARGED VESTIBULAR AQUEDUCT, DIGENIC; Deafness, autosomal recessive 4, with enlarged vestibular aqueduct; Enlarged vestibular aqueduct, digenic. Identifiers: Orphanet 90636, MedGen C3538946, MONDO:0010933, OMIM 600791.

Submission:

National Institute of Sensory Organs, National Hospital Organization Tokyo Medical Center
Classification: Affects for Autosomal recessive nonsyndromic hearing loss 4. Last evaluated: 2019-08-20. Review status: no assertion criteria provided. Collection method: literature only, in vitro. Allele origin: germline. Inheritance: Autosomal recessive inheritance. Affected: yes. Functional consequence: loss_of_function_variant, sequence_variant_affecting_splicing.
Comment: in vitro experiment

Literature cited by the submitters: PubMed 23918157; PubMed 27771369; PubMed 31599023.

NM_000441.2(SLC26A4):c.392G>T (p.Gly131Val)

Gene: SLC26A4 (solute carrier family 26 member 4; plus strand). Cytogenetic location: 7q22.3.
Variant type: single nucleotide variant.
Coding change: c.392G>T on transcript NM_000441.2 (MANE Select); coding-DNA position 392, G replaced by T.
Protein change: p.Gly131Val; replaces glycine 131 with valine.
Molecular consequence: missense variant.
Genome position (GRCh38, 1-based): chr7:107,672,225, G>T. VCF-style: chr7-107672225-G-T. GRCh37 (hg19) VCF-style: chr7-107312670-G-T.
Other names: short protein forms G131V.
Identifiers: ClinVar variation 691507 (VCV000691507.3), dbSNP rs1584304377, ClinGen allele CA368847232.